The following is an entry in ClinVar:

ClinVar aggregate classification (germline): Likely benign. Review status: criteria provided, multiple submitters, no conflicts (2 of 4 stars). 2 submissions from 2 submitters: Likely benign (2). Last evaluated 2026-07-14.

Conditions:
TECTA-related disorder. Also called: TECTA-related condition.

Allele frequency attached by ClinVar (database versions not stated): TOPMed below 0.00001; gnomAD exomes 0.00001.
gnomAD v4.1: 4 of 1,614,236 alleles (0.00025%); highest among the groups gnomAD compares: Admixed American, 0.005%; no homozygotes.

Submissions (2):

PreventionGenetics, part of Exact Sciences
Classification: Likely benign for TECTA-related condition. Last evaluated: 2026-07-14. Review status: criteria provided, single submitter. Criteria: ACMG Guidelines, 2015. Collection method: clinical testing. Allele origin: germline.
Comment: This variant is classified as likely benign based on ACMG/AMP sequence variant interpretation guidelines (Richards et al. 2015 PMID: 25741868, with internal and published modifications).

Labcorp Genetics (formerly Invitae), Labcorp
Classification: Likely benign. Last evaluated: 2023-08-04. Review status: criteria provided, single submitter. Criteria: Invitae Variant Classification Sherloc (09022015). Collection method: clinical testing. Allele origin: germline.

NM_005422.4(TECTA):c.5727T>C (p.Asp1909=)

Genes: TBCEL-TECTA (TBCEL-TECTA readthrough; plus strand), TECTA (tectorin alpha; plus strand). Cytogenetic location: 11q23.3.
Variant type: single nucleotide variant.
Coding change: c.5727T>C on transcript NM_005422.4 (MANE Select); coding-DNA position 5727, T replaced by C.
Protein change: p.Asp1909=; no amino-acid change (aspartic acid 1909 retained).
Molecular consequence: synonymous variant.
Genome position (GRCh38, 1-based): chr11:121,168,194, T>C. VCF-style: chr11-121168194-T-C. GRCh37 (hg19) VCF-style: chr11-121038903-T-C.
Other names: c.5727T>C (NM_005422.2); c.6669T>C, p.Asp2223= (NM_001378761.1).
Identifiers: ClinVar variation 1952516 (VCV001952516.6), dbSNP rs1376478008, ClinGen allele CA477217636.